The following is an entry in ClinVar:

NM_004168.4(SDHA):c.655T>G (p.Tyr219Asp)

Gene: SDHA (succinate dehydrogenase complex flavoprotein subunit A; plus strand). Cytogenetic location: 5p15.33.
Variant type: single nucleotide variant.
Coding change: c.655T>G on transcript NM_004168.4 (MANE Select); coding-DNA position 655, T replaced by G.
Protein change: p.Tyr219Asp; replaces tyrosine 219 with aspartic acid.
Molecular consequence: missense variant.
Genome position (GRCh38, 1-based): chr5:228,218, T>G. VCF-style: chr5-228218-T-G. GRCh37 (hg19) VCF-style: chr5-228333-T-G.
Other names: c.511T>G, p.Tyr171Asp (NM_001294332.2); c.655T>G, p.Tyr219Asp (NM_001330758.2); short protein forms Y171D, Y219D.
Identifiers: ClinVar variation 4864222 (VCV004864222.1).

ClinVar aggregate classification (germline): Uncertain significance (1 of 4 stars; one submission).

Conditions:
Hereditary cancer-predisposing syndrome. Also called: Neoplastic Syndromes, Hereditary; Tumor predisposition; Hereditary Cancer Syndrome; Hereditary neoplastic syndrome. Identifiers: Orphanet 140162, MedGen C0027672, MeSH D009386, MONDO:0015356.

Submission:

Ambry Genetics
Classification: Uncertain significance for Hereditary cancer-predisposing syndrome. Last evaluated: 2026-04-23. Review status: criteria provided, single submitter. Criteria: Ambry Variant Classification Scheme 2023. Collection method: clinical testing. Allele origin: germline.
Comment: The p.Y219D variant (also known as c.655T>G), located in coding exon 6 of the SDHA gene, results from a T to G substitution at nucleotide position 655. The tyrosine at codon 219 is replaced by aspartic acid, an amino acid with highly dissimilar properties. This amino acid position is conserved. In addition, this alteration is predicted to be deleterious by in silico analysis. Based on the available evidence, the clinical significance of this variant remains unclear.